The following is an entry in ClinVar:

NM_000051.4(ATM):c.8748T>A (p.Asp2916Glu)

Genes: ATM (ATM serine/threonine kinase; plus strand), C11orf65 (chromosome 11 open reading frame 65; minus strand). Cytogenetic location: 11q22.3.
Variant type: single nucleotide variant.
Coding change: c.8748T>A on transcript NM_000051.4 (MANE Select); coding-DNA position 8748, T replaced by A.
Protein change: p.Asp2916Glu; replaces aspartic acid 2916 with glutamic acid.
Molecular consequence: missense variant. On other transcripts: intron variant (2).
Genome position (GRCh38, 1-based): chr11:108,353,842, T>A. VCF-style: chr11-108353842-T-A. GRCh37 (hg19) VCF-style: chr11-108224569-T-A.
Other names: c.8748T>A, p.Asp2916Glu (NM_001351834.2); c.640+32078A>T (NM_001330368.2); c.695-18550A>T (NM_001351110.2); short protein forms D2916E.
Identifiers: ClinVar variation 3966002 (VCV003966002.1).

ClinVar aggregate classification (germline): Uncertain significance (1 of 4 stars; one submission).

Conditions:
Hereditary cancer-predisposing syndrome. Also called: Neoplastic Syndromes, Hereditary; Tumor predisposition; Hereditary Cancer Syndrome; Hereditary neoplastic syndrome. Identifiers: Orphanet 140162, MedGen C0027672, MeSH D009386, MONDO:0015356.

Submission:

Ambry Genetics
Classification: Uncertain significance for Hereditary cancer-predisposing syndrome. Last evaluated: 2025-04-01. Review status: criteria provided, single submitter. Criteria: Ambry Variant Classification Scheme 2023. Collection method: clinical testing. Allele origin: germline.
Comment: The p.D2916E variant (also known as c.8748T>A), located in coding exon 59 of the ATM gene, results from a T to A substitution at nucleotide position 8748. The aspartic acid at codon 2916 is replaced by glutamic acid, an amino acid with highly similar properties. This variant has been reported in an individual with ataxia telangiectasia (Micol R et al. J Allergy Clin Immunol, 2011 Aug;128:382-9.e1). This amino acid position is highly conserved in available vertebrate species. In addition, this alteration is predicted to be deleterious by in silico analysis. Based on the available evidence, the clinical significance of this variant remains unclear.

Literature cited by the submitters: PubMed 19404735; PubMed 21665257.